The following is an entry in ClinVar:

ClinVar aggregate classification (germline): Uncertain significance (1 of 4 stars; one submission).

Submission:

CeGaT Center for Human Genetics Tuebingen
Classification: Uncertain significance. Last evaluated: 2025-03-01. Review status: criteria provided, single submitter. Criteria: CeGaT Center For Human Genetics Tuebingen Variant Classification Criteria Version 2. Collection method: clinical testing. Allele origin: germline. Affected: yes. Observed: 1 variant allele.
Comment: KMT2C: PM2, BP4

NM_170606.3(KMT2C):c.12686A>G (p.Lys4229Arg)

Gene: KMT2C (lysine methyltransferase 2C; minus strand). Cytogenetic location: 7q36.1.
Variant type: single nucleotide variant.
Coding change: c.12686A>G on transcript NM_170606.3 (MANE Select); coding-DNA position 12686, A replaced by G.
Protein change: p.Lys4229Arg; replaces lysine 4229 with arginine.
Molecular consequence: missense variant.
Genome position (GRCh38, 1-based): chr7:152,150,988, T>C on the plus strand (A>G on the coding strand, the complement: KMT2C is on the minus strand). VCF-style: chr7-152150988-T-C. GRCh37 (hg19) VCF-style: chr7-151848073-T-C.
Other names: short protein forms K4229R.
Identifiers: ClinVar variation 3778497 (VCV003778497.7).